The following is an entry in ClinVar:

NM_005359.6(SMAD4):c.522T>A (p.Thr174=)

Gene: SMAD4 (SMAD family member 4; plus strand). Cytogenetic location: 18q21.2.
Variant type: single nucleotide variant.
Coding change: c.522T>A on transcript NM_005359.6 (MANE Select); coding-DNA position 522, T replaced by A.
Protein change: p.Thr174=; no amino-acid change (threonine 174 retained).
Molecular consequence: synonymous variant.
Genome position (GRCh38, 1-based): chr18:51,054,848, T>A. VCF-style: chr18-51054848-T-A. GRCh37 (hg19) VCF-style: chr18-48581218-T-A.
Identifiers: ClinVar variation 1616748 (VCV001616748.9), dbSNP rs2144418435, ClinGen allele CA503873702.
Genomic context (GRCh38, chr18:51,054,848, plus strand): 5'-AAGTATGATGGTGAAGGATGAATATGTGCATGACTTTGAGGGACAGCCATCGTTGTCCAC[T>A]GAAGGACATTCAATTCAAACCATCCAGCATCCACCAAGTAATCGTGCATCGACAGAGACA-3'
Protein context (NP_005350.1, residues 164-184): HDFEGQPSLS[Thr174=]EGHSIQTIQH

ClinVar aggregate classification (germline): Benign/Likely benign. Review status: criteria provided, multiple submitters, no conflicts (2 of 4 stars). 2 submissions from 2 submitters: Benign (1); Likely benign (1). Last evaluated 2025-03-19.

Conditions:
Juvenile polyposis syndrome (JPS). Identifiers: Orphanet 2929, MedGen C0345893, MONDO:0017380, OMIM 174900.
Juvenile polyposis/hereditary hemorrhagic telangiectasia syndrome (JPHT). Also called: Juvenile Polyposis Syndrome / Hereditary Hemorrhagic Telangiectasia (JPS/HHT); JP/HHT SYNDROME; JUVENILE POLYPOSIS WITH HEREDITARY HEMORRHAGIC TELANGIECTASIA; POLYPOSIS, GENERALIZED JUVENILE, WITH PULMONARY ARTERIOVENOUS MALFORMATION; TELANGIECTASIA, HEREDITARY HEMORRHAGIC, WITH JUVENILE POLYPOSIS COLI. Identifiers: Orphanet 2929, MedGen C1832942, MONDO:0008278, OMIM 175050.

Submissions (2):

Myriad Genetics, Inc.
Classification: Benign for Juvenile polyposis/hereditary hemorrhagic telangiectasia syndrome. Last evaluated: 2025-03-19. Review status: criteria provided, single submitter. Criteria: Myriad Autosomal Dominant, Autosomal Recessive and X-Linked Classification Criteria (2023). Collection method: clinical testing. Allele origin: unknown.
Comment: This variant is considered benign. This variant is a silent/synonymous amino acid change and it is not expected to impact splicing.

Labcorp Genetics (formerly Invitae), Labcorp
Classification: Likely benign for Juvenile polyposis syndrome. Last evaluated: 2021-11-29. Review status: criteria provided, single submitter. Criteria: Invitae Variant Classification Sherloc (09022015). Collection method: clinical testing. Allele origin: germline.